The following is an entry in ClinVar:

ClinVar aggregate classification (germline): Uncertain significance (1 of 4 stars; one submission).

gnomAD v4.1: 1 of 1,613,652 alleles (0.000062%); highest among the groups gnomAD compares: Non-Finnish European, 0.000085%; no homozygotes.

Submission:

GeneDx
Classification: Uncertain significance. Last evaluated: 2026-04-13. Review status: criteria provided, single submitter. Criteria: GeneDx Variant Classification Process June 2021. Collection method: clinical testing. Allele origin: germline.
Comment: Not observed at significant frequency in large population cohorts (gnomAD); In silico analysis supports that this missense variant has a deleterious effect on protein structure/function; Has not been previously published as pathogenic or benign to our knowledge

NM_004815.4(ARHGAP29):c.152A>G (p.Asp51Gly)

Gene: ARHGAP29 (Rho GTPase activating protein 29; minus strand). Cytogenetic location: 1p22.1.
Variant type: single nucleotide variant.
Coding change: c.152A>G on transcript NM_004815.4 (MANE Select); coding-DNA position 152, A replaced by G.
Protein change: p.Asp51Gly; replaces aspartic acid 51 with glycine.
Molecular consequence: missense variant. On other transcripts: intron variant (2).
Genome position (GRCh38, 1-based): chr1:94,231,460, T>C on the plus strand (A>G on the coding strand, the complement: ARHGAP29 is on the minus strand). VCF-style: chr1-94231460-T-C. GRCh37 (hg19) VCF-style: chr1-94697016-T-C.
Other names: c.152A>G, p.Asp51Gly (NM_001328664.2, NM_001328666.2); c.14-11068A>G (NM_001328665.2); c.13+5955A>G (NM_001328667.2); short protein forms D51G.
Identifiers: ClinVar variation 5036975 (VCV005036975.1).